The following is an entry in ClinVar:

ClinVar aggregate classification (germline): Conflicting classifications of pathogenicity. Review status: criteria provided, conflicting classifications (1 of 4 stars). 6 submissions from 6 submitters: Uncertain significance (2); Likely benign (4). Last evaluated 2026-05-30.

Conditions:
Inborn genetic diseases. Identifiers: MedGen C0950123, MeSH D030342.
Left ventricular noncompaction 8 (LVNC8). Identifiers: Orphanet 154, Orphanet 54260, MedGen C3809288, MONDO:0014152, OMIM 615373.

Allele frequency attached by ClinVar (database versions not stated): gnomAD 0.00048; 1000 Genomes Project 30x 0.00062; TOPMed 0.00043; ESP Exome Variant Server 0.00008; 1000 Genomes Project 0.00040.
gnomAD v4.1: 129 of 1,613,698 alleles (0.008%); highest among the groups gnomAD compares: African/African-American, 0.16%; no homozygotes.

Submissions (6):

Women's Health and Genetics/Laboratory Corporation of America, LabCorp
Classification: Likely benign. Last evaluated: 2026-05-30. Review status: criteria provided, single submitter. Criteria: LabCorp Variant Classification Summary - May 2015. Collection method: clinical testing. Allele origin: germline.

Labcorp Genetics (formerly Invitae), Labcorp
Classification: Likely benign for Left ventricular noncompaction 8. Last evaluated: 2026-01-12. Review status: criteria provided, single submitter. Criteria: Invitae Variant Classification Sherloc (09022015). Collection method: clinical testing. Allele origin: germline.

ARUP Laboratories, Molecular Genetics and Genomics, ARUP Laboratories
Classification: Likely benign. Last evaluated: 2024-07-30. Review status: criteria provided, single submitter. Criteria: ARUP Molecular Germline Variant Investigation Process 2024. Collection method: clinical testing. Allele origin: germline.

Ambry Genetics
Classification: Uncertain significance for Inborn genetic diseases. Last evaluated: 2023-04-04. Review status: criteria provided, single submitter. Criteria: Ambry Variant Classification Scheme 2023. Collection method: clinical testing. Allele origin: germline.

GeneDx
Classification: Likely benign. Last evaluated: 2019-02-12. Review status: criteria provided, single submitter. Criteria: GeneDx Variant Classification Process June 2021. Collection method: clinical testing. Allele origin: germline. Affected: yes.
Comment: This variant is associated with the following publications: (PMID: 24140581)

Laboratory for Molecular Medicine, Mass General Brigham Personalized Medicine
Classification: Uncertain significance. Last evaluated: 2016-12-08. Review status: criteria provided, single submitter. Criteria: LMM Criteria. Collection method: clinical testing. Allele origin: germline. Observed: 1 variant allele.
Comment: Variant classified as Uncertain Significance - Favor Benign. The p.Asn161Asp var iant in PRDM16 has not been previously reported in individuals with cardiomyopat hy, but has been identified in 0.13% (13/9750) of African chromosomes by the Exo me Aggregation Consortium (ExAC; dbSNP rs3746641 41). Computational prediction tools and conservation analysis suggest that the p .Asn161Asp variant may not impact the protein, though this information is not pr edictive enough to rule out pathogenicity. In summary, while the clinical signif icance of the p.Asn161Asp variant is uncertain, these data suggest that it is mo re likely to be benign.

Literature cited by the submitters: PubMed 24140581 (cited by Laboratory for Molecular Medicine, Mass General Brigham Personalized Medicine).

NM_022114.4(PRDM16):c.481A>G (p.Asn161Asp)

Gene: PRDM16 (PR/SET domain 16; plus strand). Cytogenetic location: 1p36.32.
Variant type: single nucleotide variant.
Coding change: c.481A>G on transcript NM_022114.4 (MANE Select); coding-DNA position 481, A replaced by G.
Protein change: p.Asn161Asp; replaces asparagine 161 with aspartic acid.
Molecular consequence: missense variant.
Genome position (GRCh38, 1-based): chr1:3,385,194, A>G. VCF-style: chr1-3385194-A-G. GRCh37 (hg19) VCF-style: chr1-3301758-A-G.
Other names: c.481A>G, p.Asn161Asp (NM_199454.3); short protein forms N161D.
Identifiers: ClinVar variation 406240 (VCV000406240.20), dbSNP rs374664141, ClinGen allele CA543832.